The following is an entry in ClinVar:

NM_001378609.3(OTOGL):c.3607+10C>G

Gene: OTOGL (otogelin like; plus strand). Cytogenetic location: 12q21.31.
Variant type: single nucleotide variant.
Coding change: c.3607+10C>G on transcript NM_001378609.3 (MANE Select); 10 bases into the intron after coding-DNA position 3607, C replaced by G.
Molecular consequence: intron variant.
Genome position (GRCh38, 1-based): chr12:80,313,642, C>G. VCF-style: chr12-80313642-C-G. GRCh37 (hg19) VCF-style: chr12-80707422-C-G.
Other names: c.3580+10C>G (NM_173591.3); c.3472+10C>G (NM_001368062.3); c.3607+10C>G (NM_001378610.3, NM_173591.7).
Identifiers: ClinVar variation 2718757 (VCV002718757.5), dbSNP rs377307665, ClinGen allele CA6701133.
Genomic context (GRCh38, chr12:80,313,642, plus strand): 5'-AGTGTTGTCAGGAAGGAATATCAATTCATTGGAGATCATCTACTGTTTGTTGTAAGTACC[C>G]TACTTAGAACATCATTATGTAGAGAACTGATAAAGAGATACATATTAATTGTTGATTTAG-3'

ClinVar aggregate classification (germline): Likely benign. Review status: criteria provided, single submitter (1 of 4 stars). 2 submissions from 2 submitters: Likely benign (1). 1 of the submissions does not count toward it. Last evaluated 2025-03-17.

Conditions:
OTOGL-related disorder. Also called: OTOGL-related condition.

Allele frequency attached by ClinVar (database versions not stated): gnomAD 0.00007; ExAC 0.00004; TOPMed 0.00006; ESP Exome Variant Server 0.00016.
gnomAD v4.1: 196 of 1,595,112 alleles (0.012%); highest among the groups gnomAD compares: Non-Finnish European, 0.016%; no homozygotes.

Submissions (2):

Labcorp Genetics (formerly Invitae), Labcorp
Classification: Likely benign. Last evaluated: 2025-03-17. Review status: criteria provided, single submitter. Criteria: Invitae Variant Classification Sherloc (09022015). Collection method: clinical testing. Allele origin: germline.

PreventionGenetics, part of Exact Sciences
Classification: Likely benign for OTOGL-related condition. Last evaluated: 2019-08-09. Review status: no assertion criteria provided. Collection method: clinical testing. Allele origin: germline. Not counted in ClinVar's aggregate classification.
Comment: This variant is classified as likely benign based on ACMG/AMP sequence variant interpretation guidelines (Richards et al. 2015 PMID: 25741868, with internal and published modifications).